The following is an entry in ClinVar:

ClinVar aggregate classification (germline): Uncertain significance. Review status: criteria provided, multiple submitters, no conflicts (2 of 4 stars). 5 submissions from 4 submitters: Uncertain significance (5). Last evaluated 2025-01-26.

Conditions:
Schwartz-Jampel syndrome. Also called: Myotonic myopathy dwarfism chondrodystrophy and ocular and facial abnormalities. Identifiers: Orphanet 800, MedGen C0036391, MONDO:0009717.
Inborn genetic diseases. Identifiers: MedGen C0950123, MeSH D030342.
Lethal Kniest-like syndrome (DDSH). Also called: Dyssegmental Dysplasia. Identifiers: Orphanet 1865, MedGen C1857100, MONDO:0009140, OMIM 224410.

Allele frequency attached by ClinVar (database versions not stated): gnomAD exomes 0.00004; gnomAD 0.00005; TOPMed 0.00006; ExAC 0.00009.
gnomAD v4.1: 64 of 1,553,560 alleles (0.0041%); highest among the groups gnomAD compares: African/African-American, 0.011%; no homozygotes.

Submissions (5):

Ambry Genetics
Classification: Uncertain significance for Inborn genetic diseases. Last evaluated: 2025-01-26. Review status: criteria provided, single submitter. Criteria: Ambry Variant Classification Scheme 2023. Collection method: clinical testing. Allele origin: germline.

Labcorp Genetics (formerly Invitae), Labcorp
Classification: Uncertain significance. Last evaluated: 2022-07-06. Review status: criteria provided, single submitter. Criteria: Invitae Variant Classification Sherloc (09022015). Collection method: clinical testing. Allele origin: germline.
Comment: The frequency data for this variant in the population databases is considered unreliable, as metrics indicate poor data quality at this position in the gnomAD database. This sequence change replaces glycine, which is neutral and non-polar, with arginine, which is basic and polar, at codon 1552 of the HSPG2 protein (p.Gly1552Arg). This variant has not been reported in the literature in individuals affected with HSPG2-related conditions. ClinVar contains an entry for this variant (Variation ID: 874587). Algorithms developed to predict the effect of missense changes on protein structure and function are either unavailable or do not agree on the potential impact of this missense change (SIFT: "Deleterious"; PolyPhen-2: "Probably Damaging"; Align-GVGD: "Class C0"). Algorithms developed to predict the effect of sequence changes on RNA splicing suggest that this variant may create or strengthen a splice site. In summary, the available evidence is currently insufficient to determine the role of this variant in disease. Therefore, it has been classified as a Variant of Uncertain Significance.

Revvity Omics, Revvity
Classification: Uncertain significance. Last evaluated: 2020-03-30. Review status: criteria provided, single submitter. Criteria: ACMG Guidelines, 2015. Collection method: clinical testing. Allele origin: germline.

Illumina Laboratory Services, Illumina
Classification: Uncertain significance for Lethal Kniest-like syndrome. Last evaluated: 2018-01-12. Review status: criteria provided, single submitter. Criteria: ICSL Variant Classification Criteria 13 December 2019. Collection method: clinical testing. Allele origin: germline.

Illumina Laboratory Services, Illumina
Classification: Uncertain significance for Schwartz-Jampel syndrome type 1. Last evaluated: 2018-01-12. Review status: criteria provided, single submitter. Criteria: ICSL Variant Classification Criteria 13 December 2019. Collection method: clinical testing. Allele origin: germline.

NM_005529.7(HSPG2):c.4654G>A (p.Gly1552Arg)

Gene: HSPG2 (heparan sulfate proteoglycan 2; minus strand). Cytogenetic location: 1p36.12.
Variant type: single nucleotide variant.
Coding change: c.4654G>A on transcript NM_005529.7 (MANE Select); coding-DNA position 4654, G replaced by A.
Protein change: p.Gly1552Arg; replaces glycine 1552 with arginine.
Molecular consequence: missense variant.
Genome position (GRCh38, 1-based): chr1:21,864,186, C>T on the plus strand (G>A on the coding strand, the complement: HSPG2 is on the minus strand). VCF-style: chr1-21864186-C-T. GRCh37 (hg19) VCF-style: chr1-22190679-C-T.
Other names: c.4657G>A, p.Gly1553Arg (NM_001291860.2); short protein forms G1552R, G1553R.
Identifiers: ClinVar variation 874587 (VCV000874587.13), dbSNP rs746057768, ClinGen allele CA672195.